The following is an entry in ClinVar:

NM_147191.1(MMP21):c.980-11_980-8del

Gene: MMP21 (matrix metallopeptidase 21; minus strand). Cytogenetic location: 10q26.2.
Variant type: Microsatellite.
Coding change: c.980-11_980-8del on transcript NM_147191.1 (MANE Select); 11 bases into the intron before coding-DNA position 980 through 8 bases into the intron before coding-DNA position 980, 4 bases deleted (GTTT; older notation c.980-11_980-8delGTTT).
Molecular consequence: intron variant.
Genome position (GRCh38, 1-based): chr10:125,770,599-125,770,602, AAAC deleted on the plus strand (GTTT on the coding strand, the reverse complement: MMP21 is on the minus strand); deleting any 4 consecutive bases within chr10:125,770,599-125,770,609 gives the same sequence; the c. name uses the placement nearest the transcript's 3' end. VCF-style (leftmost placement, unchanged base first): chr10-125770598-AAAAC-A. GRCh37 (hg19) VCF-style: chr10-127459167-AAAAC-A.
Other names: c.980-11_980-8delGTTT (NM_147191.1).
Identifiers: ClinVar variation 3041664 (VCV003041664.2), dbSNP rs771709677, ClinGen allele CA5738029.

ClinVar aggregate classification (germline): Likely benign (0 of 4 stars; one submission).

Conditions:
MMP21-related disorder. Also called: MMP21-related condition.

Submission:

PreventionGenetics, part of Exact Sciences
Classification: Likely benign for MMP21-related condition. Last evaluated: 2019-04-05. Review status: no assertion criteria provided. Collection method: clinical testing. Allele origin: germline.
Comment: This variant is classified as likely benign based on ACMG/AMP sequence variant interpretation guidelines (Richards et al. 2015 PMID: 25741868, with internal and published modifications).